The following is an entry in ClinVar:

ClinVar aggregate classification (germline): Benign/Likely benign. Review status: criteria provided, multiple submitters, no conflicts (2 of 4 stars). 3 submissions from 3 submitters: Benign (1); Likely benign (2). Last evaluated 2024-07-26.

Conditions:
Familial cancer of breast. Also called: BREAST CANCER, FAMILIAL; Hereditary breast cancer; hereditary breast carcinoma. Identifiers: Orphanet 227535, MedGen C0346153, MONDO:0016419, OMIM 114480. Disease mechanism: loss of function.

Submissions (3):

Myriad Genetics, Inc.
Classification: Benign for Familial cancer of breast. Last evaluated: 2024-07-26. Review status: criteria provided, single submitter. Criteria: Myriad Autosomal Dominant, Autosomal Recessive and X-Linked Classification Criteria (2023). Collection method: clinical testing. Allele origin: unknown.
Comment: This variant is considered benign. This variant is a silent/synonymous amino acid change and it is not expected to impact splicing.

Department of Pathology and Laboratory Medicine, Sinai Health System
Classification: Likely benign for Familial cancer of breast. Last evaluated: 2022-04-11. Review status: criteria provided, single submitter. Criteria: ACMG Guidelines, 2015. Collection method: clinical testing. Allele origin: germline. Affected: yes.

Labcorp Genetics (formerly Invitae), Labcorp
Classification: Likely benign for Familial cancer of breast. Last evaluated: 2019-07-30. Review status: criteria provided, single submitter. Criteria: Invitae Variant Classification Sherloc (09022015). Collection method: clinical testing. Allele origin: germline.

NM_000465.4(BARD1):c.1845A>G (p.Gln615=)

Gene: BARD1 (BRCA1 associated RING domain 1; minus strand). Cytogenetic location: 2q35.
Variant type: single nucleotide variant.
Coding change: c.1845A>G on transcript NM_000465.4 (MANE Select); coding-DNA position 1845, A replaced by G.
Protein change: p.Gln615=; no amino-acid change (glutamine 615 retained).
Molecular consequence: synonymous variant. On other transcripts: non-coding transcript variant (3), intron variant (1).
Genome position (GRCh38, 1-based): chr2:214,745,125, T>C on the plus strand (A>G on the coding strand, the complement: BARD1 is on the minus strand). VCF-style: chr2-214745125-T-C. GRCh37 (hg19) VCF-style: chr2-215609849-T-C.
Other names: c.1845A>G (NM_000465.3); c.1788A>G, p.Gln596= (NM_001282543.2); c.492A>G, p.Gln164= (NM_001282545.2); c.435A>G, p.Gln145= (NM_001282548.2); c.365-14617A>G (NM_001282549.2).
Identifiers: ClinVar variation 1102800 (VCV001102800.12), dbSNP rs1693040542, ClinGen allele CA431145172.